The following is an entry in ClinVar:

NM_002471.4(MYH6):c.5062G>A (p.Glu1688Lys)

Genes: MYH6 (myosin heavy chain 6; minus strand), LOC126861896 (BRD4-independent group 4 enhancer GRCh37_chr14:23854904-23856103; plus strand). Cytogenetic location: 14q11.2.
Variant type: single nucleotide variant.
Coding change: c.5062G>A on transcript NM_002471.4 (MANE Select); coding-DNA position 5062, G replaced by A.
Protein change: p.Glu1688Lys; replaces glutamic acid 1688 with lysine.
Molecular consequence: missense variant.
Genome position (GRCh38, 1-based): chr14:23,386,029, C>T on the plus strand (G>A on the coding strand, the complement: MYH6 is on the minus strand). VCF-style: chr14-23386029-C-T. GRCh37 (hg19) VCF-style: chr14-23855238-C-T.
Other names: short protein forms E1688K.
Identifiers: ClinVar variation 179250 (VCV000179250.13), dbSNP rs727504739, ClinGen allele CA184049.

ClinVar aggregate classification (germline): Uncertain significance. Review status: criteria provided, multiple submitters, no conflicts (2 of 4 stars). 2 submissions from 2 submitters: Uncertain significance (2). Last evaluated 2020-09-18.

Conditions:
Hypertrophic cardiomyopathy 14. Identifiers: MedGen C2750467, MONDO:0013197, OMIM 613251.

Allele frequency attached by ClinVar (database versions not stated): gnomAD exomes below 0.00001.
gnomAD v4.1: 1 of 1,614,222 alleles (0.000062%); highest among the groups gnomAD compares: Non-Finnish European, 0.000085%; no homozygotes.

Submissions (2):

Labcorp Genetics (formerly Invitae), Labcorp
Classification: Uncertain significance for Hypertrophic cardiomyopathy 14. Last evaluated: 2020-09-18. Review status: criteria provided, single submitter. Criteria: Invitae Variant Classification Sherloc (09022015). Collection method: clinical testing. Allele origin: germline.
Comment: In summary, the available evidence is currently insufficient to determine the role of this variant in disease. Therefore, it has been classified as a Variant of Uncertain Significance. Algorithms developed to predict the effect of missense changes on protein structure and function are either unavailable or do not agree on the potential impact of this missense change (SIFT: "Deleterious"; PolyPhen-2: "Possibly Damaging"; Align-GVGD: "Class C0"). This variant has not been reported in the literature in individuals with MYH6-related conditions. ClinVar contains an entry for this variant (Variation ID: 179250). This variant is not present in population databases (ExAC no frequency). This sequence change replaces glutamic acid with lysine at codon 1688 of the MYH6 protein (p.Glu1688Lys). The glutamic acid residue is moderately conserved and there is a small physicochemical difference between glutamic acid and lysine.

Laboratory for Molecular Medicine, Mass General Brigham Personalized Medicine
Classification: Uncertain significance. Last evaluated: 2013-09-19. Review status: criteria provided, single submitter. Criteria: LMM Criteria. Collection method: clinical testing. Allele origin: germline. Observed: 1 variant allele.
Comment: The Glu1688Lys variant in MYH6 has not been reported in individuals with cardiom yopathy or in large population studies. Computational analyses (biochemical amin o acid properties, conservation, AlignGVGD, PolyPhen2, and SIFT) suggest that th e Glu1688Lys variant may impact the normal function of the protein, though this information is not predictive enough to determine pathogenicity conclusively. Ad ditional information is needed to fully assess the clinical significance of the Glu1688Lys variant.